The following is an entry in ClinVar:

NM_001379403.1(WDR26):c.1455T>G (p.Asp485Glu)

Gene: WDR26 (WD repeat domain 26; minus strand). Cytogenetic location: 1q42.12.
Variant type: single nucleotide variant.
Coding change: c.1455T>G on transcript NM_001379403.1 (MANE Select); coding-DNA position 1455, T replaced by G.
Protein change: p.Asp485Glu; replaces aspartic acid 485 with glutamic acid.
Molecular consequence: missense variant.
Genome position (GRCh38, 1-based): chr1:224,411,430, A>C on the plus strand (T>G on the coding strand, the complement: WDR26 is on the minus strand). VCF-style: chr1-224411430-A-C. GRCh37 (hg19) VCF-style: chr1-224599132-A-C.
Other names: c.1107T>G, p.Asp369Glu (NM_001115113.3); c.1155T>G, p.Asp385Glu (NM_025160.7); short protein forms D369E, D385E, D485E.
Identifiers: ClinVar variation 4850825 (VCV004850825.1).

ClinVar aggregate classification (germline): Uncertain significance (1 of 4 stars; one submission).

Submission:

Greenwood Genetic Center Diagnostic Laboratories, Greenwood Genetic Center
Classification: Uncertain significance. Last evaluated: 2025-02-28. Review status: criteria provided, single submitter. Criteria: ACMG Guidelines, 2015. Collection method: clinical testing. Allele origin: germline.
Comment: PM2